The following is an entry in ClinVar:

ClinVar aggregate classification (germline): Conflicting classifications of pathogenicity. Review status: criteria provided, conflicting classifications (1 of 4 stars). 2 submissions from 2 submitters: Uncertain significance (1); Likely benign (1). Last evaluated 2025-04-04.

Conditions:
Inborn genetic diseases. Identifiers: MedGen C0950123, MeSH D030342.

Allele frequency attached by ClinVar (database versions not stated): gnomAD 0.00003; TOPMed 0.00004; gnomAD exomes below 0.00001.
gnomAD v4.1: 10 of 1,614,028 alleles (0.00062%); highest among the groups gnomAD compares: African/African-American, 0.013%; no homozygotes.

Submissions (2):

Ambry Genetics
Classification: Likely benign for Inborn genetic diseases. Last evaluated: 2025-04-04. Review status: criteria provided, single submitter. Criteria: Ambry Variant Classification Scheme 2023. Collection method: clinical testing. Allele origin: germline.

Labcorp Genetics (formerly Invitae), Labcorp
Classification: Uncertain significance. Last evaluated: 2022-02-21. Review status: criteria provided, single submitter. Criteria: Invitae Variant Classification Sherloc (09022015). Collection method: clinical testing. Allele origin: germline.
Comment: This variant has not been reported in the literature in individuals affected with COQ9-related conditions. This variant is present in population databases (no rsID available, gnomAD 0.01%). This sequence change replaces serine, which is neutral and polar, with proline, which is neutral and non-polar, at codon 63 of the COQ9 protein (p.Ser63Pro). Algorithms developed to predict the effect of missense changes on protein structure and function output the following: SIFT: "Tolerated"; PolyPhen-2: "Benign"; Align-GVGD: "Class C0". The proline amino acid residue is found in multiple mammalian species, which suggests that this missense change does not adversely affect protein function. In summary, the available evidence is currently insufficient to determine the role of this variant in disease. Therefore, it has been classified as a Variant of Uncertain Significance.

NM_020312.4(COQ9):c.187T>C (p.Ser63Pro)

Gene: COQ9 (coenzyme Q9; plus strand). Cytogenetic location: 16q21.
Variant type: single nucleotide variant.
Coding change: c.187T>C on transcript NM_020312.4 (MANE Select); coding-DNA position 187, T replaced by C.
Protein change: p.Ser63Pro; replaces serine 63 with proline.
Molecular consequence: missense variant.
Genome position (GRCh38, 1-based): chr16:57,451,153, T>C. VCF-style: chr16-57451153-T-C. GRCh37 (hg19) VCF-style: chr16-57485065-T-C.
Other names: c.187T>C (NM_020312.3); short protein forms S63P.
Identifiers: ClinVar variation 1938467 (VCV001938467.4), dbSNP rs1276732246, ClinGen allele CA396026742.
Genomic context (GRCh38, chr16:57,451,153, plus strand): 5'-GGGCTAAGGTCTTCAGATGAGCAGAAGCAGCAGCCTCCCAACTCATTTTCTCAGCAGCAT[T>C]CTGAGACACAGGGGGCAGAAAAACCTGATCCAGAGTCTTCTCATTCACCCCCCAGGTAGG-3'
Protein context (NP_064708.1, residues 53-73): QPPNSFSQQH[Ser63Pro]ETQGAEKPDP